The following is an entry in ClinVar:

NM_020754.4(ARHGAP31):c.2824A>T (p.Arg942Trp)

Gene: ARHGAP31 (Rho GTPase activating protein 31; plus strand). Cytogenetic location: 3q13.33.
Variant type: single nucleotide variant.
Coding change: c.2824A>T on transcript NM_020754.4 (MANE Select); coding-DNA position 2824, A replaced by T.
Protein change: p.Arg942Trp; replaces arginine 942 with tryptophan.
Molecular consequence: missense variant.
Genome position (GRCh38, 1-based): chr3:119,414,753, A>T. VCF-style: chr3-119414753-A-T. GRCh37 (hg19) VCF-style: chr3-119133600-A-T.
Other names: short protein forms R942W.
Identifiers: ClinVar variation 4086282 (VCV004086282.1).

ClinVar aggregate classification (germline): Uncertain significance (1 of 4 stars; one submission).

Submission:

GeneDx
Classification: Uncertain significance. Last evaluated: 2025-03-16. Review status: criteria provided, single submitter. Criteria: GeneDx Variant Classification Process June 2021. Collection method: clinical testing. Allele origin: germline. Affected: yes.
Comment: Not observed at significant frequency in large population cohorts (gnomAD); In silico analysis indicates that this missense variant does not alter protein structure/function; Has not been previously published as pathogenic or benign to our knowledge.